The following is an entry in ClinVar:

ClinVar aggregate classification (germline): Likely benign. Review status: criteria provided, multiple submitters, no conflicts (2 of 4 stars). 2 submissions from 2 submitters: Likely benign (2). Last evaluated 2025-05-11.

Conditions:
Developmental and epileptic encephalopathy 94 (DEE94). Also called: Epileptic encephalopathy, childhood-onset; CHD2-Related Neurodevelopmental Disorders. Identifiers: Orphanet 1942, Orphanet 2382, MedGen C3809278, MONDO:0014150, OMIM 615369.

Allele frequency attached by ClinVar (database versions not stated): gnomAD 0.00001; gnomAD exomes 0.00008 and 0.00003; TOPMed 0.00003; ExAC 0.00008.
gnomAD v4.1: 20 of 1,598,646 alleles (0.0013%); highest among the groups gnomAD compares: Admixed American, 0.034%; no homozygotes.

Submissions (2):

Labcorp Genetics (formerly Invitae), Labcorp
Classification: Likely benign for Developmental and epileptic encephalopathy 94. Last evaluated: 2025-05-11. Review status: criteria provided, single submitter. Criteria: Invitae Variant Classification Sherloc (09022015). Collection method: clinical testing. Allele origin: germline.

GeneDx
Classification: Likely benign. Last evaluated: 2016-09-21. Review status: criteria provided, single submitter. Criteria: GeneDx Variant Classification (06012015). Collection method: clinical testing. Allele origin: germline. Affected: yes.
Comment: This variant is considered likely benign or benign based on one or more of the following criteria: it is a conservative change, it occurs at a poorly conserved position in the protein, it is predicted to be benign by multiple in silico algorithms, and/or has population frequency not consistent with disease.

NM_001271.4(CHD2):c.4906+20T>C

Gene: CHD2 (chromodomain helicase DNA binding protein 2; plus strand). Cytogenetic location: 15q26.1.
Variant type: single nucleotide variant.
Coding change: c.4906+20T>C on transcript NM_001271.4 (MANE Select); 20 bases into the intron after coding-DNA position 4906, T replaced by C.
Molecular consequence: intron variant.
Genome position (GRCh38, 1-based): chr15:93,014,929, T>C. VCF-style: chr15-93014929-T-C. GRCh37 (hg19) VCF-style: chr15-93558159-T-C.
Identifiers: ClinVar variation 389449 (VCV000389449.9), dbSNP rs753889013, ClinGen allele CA7748575.